The following is an entry in ClinVar:

ClinVar aggregate classification (germline): Uncertain significance. Review status: criteria provided, multiple submitters, no conflicts (2 of 4 stars). 3 submissions from 3 submitters: Uncertain significance (3). Last evaluated 2024-09-25.

Conditions:
Inborn genetic diseases. Identifiers: MedGen C0950123, MeSH D030342.
Pseudohypoaldosteronism type 2D (PHA2D). Also called: Pseudohypoaldosteronism Type IID; FAMILIAL HYPERKALEMIC HYPERTENSION; PSEUDOHYPOALDOSTERONISM, TYPE IID, AUTOSOMAL DOMINANT OR RECESSIVE. Identifiers: Orphanet 300525, Orphanet 757, MedGen C3469605, MONDO:0013781, OMIM 614495.

Allele frequency attached by ClinVar (database versions not stated): ExAC 0.00002; gnomAD exomes 0.00002; gnomAD 0.00004; TOPMed 0.00005; 1000 Genomes Project 30x 0.00016; 1000 Genomes Project 0.00020.
gnomAD v4.1: 33 of 1,613,764 alleles (0.002%); highest among the groups gnomAD compares: African/African-American, 0.0053%; no homozygotes.

Submissions (3):

Ambry Genetics
Classification: Uncertain significance for Inborn genetic diseases. Last evaluated: 2024-09-25. Review status: criteria provided, single submitter. Criteria: Ambry Variant Classification Scheme 2023. Collection method: clinical testing. Allele origin: germline.

Fulgent Genetics
Classification: Uncertain significance for Pseudohypoaldosteronism type 2D. Last evaluated: 2024-03-29. Review status: criteria provided, single submitter. Criteria: ACMG Guidelines, 2015. Collection method: clinical testing. Allele origin: germline.

Labcorp Genetics (formerly Invitae), Labcorp
Classification: Uncertain significance. Last evaluated: 2022-04-17. Review status: criteria provided, single submitter. Criteria: Invitae Variant Classification Sherloc (09022015). Collection method: clinical testing. Allele origin: germline.
Comment: In summary, the available evidence is currently insufficient to determine the role of this variant in disease. Therefore, it has been classified as a Variant of Uncertain Significance. Algorithms developed to predict the effect of missense changes on protein structure and function are either unavailable or do not agree on the potential impact of this missense change (SIFT: "Deleterious"; PolyPhen-2: "Probably Damaging"; Align-GVGD: "Class C0"). This variant has not been reported in the literature in individuals affected with KLHL3-related conditions. This variant is present in population databases (rs182805654, gnomAD 0.008%). This sequence change replaces arginine, which is basic and polar, with histidine, which is basic and polar, at codon 156 of the KLHL3 protein (p.Arg156His).

NM_017415.3(KLHL3):c.467G>A (p.Arg156His)

Gene: KLHL3 (kelch like family member 3; minus strand). Cytogenetic location: 5q31.2.
Variant type: single nucleotide variant.
Coding change: c.467G>A on transcript NM_017415.3 (MANE Select); coding-DNA position 467, G replaced by A.
Protein change: p.Arg156His; replaces arginine 156 with histidine.
Molecular consequence: missense variant.
Genome position (GRCh38, 1-based): chr5:137,692,344, C>T on the plus strand (G>A on the coding strand, the complement: KLHL3 is on the minus strand). VCF-style: chr5-137692344-C-T. GRCh37 (hg19) VCF-style: chr5-137028033-C-T.
Other names: c.371G>A, p.Arg124His (NM_001257194.1); c.221G>A, p.Arg74His (NM_001257195.2); short protein forms R74H, R124H, R156H.
Identifiers: ClinVar variation 1986389 (VCV001986389.7), dbSNP rs182805654, ClinGen allele CA3422495.
Genomic context (GRCh38, chr5:137,692,344, plus strand): 5'-CCTGCGTAGGCATTGGCCTGCTGCAGAAGGTCAGTGCAGGTGTGTACATCTGCAAATGCA[C>T]GGATGCCCAGGCAATTGGTGGGATGCAACTGAGACTGCAGGAAGTCACAGCAGTTCTGCC-3'
Protein context (NP_059111.2, residues 146-166): QLHPTNCLGI[Arg156His]AFADVHTCTD